The following is an entry in ClinVar:

ClinVar aggregate classification (germline): Uncertain significance. Review status: criteria provided, multiple submitters, no conflicts (2 of 4 stars). 4 submissions from 4 submitters: Uncertain significance (3). 1 of the submissions does not count toward it. Last evaluated 2024-10-24.

Conditions:
Short-rib thoracic dysplasia 10 with or without polydactyly (SRTD10). Identifiers: Orphanet 474, MedGen C3810175, MONDO:0014284, OMIM 615630.
Bardet-Biedl syndrome 20. Identifiers: MedGen C4310707, MONDO:0023670, OMIM 619471, MONDO:0014926.
Retinitis pigmentosa 71 (RP71). Identifiers: Orphanet 791, MedGen C4225342, MONDO:0014618, OMIM 616394.
IFT172-related disorder. Also called: IFT172-related condition; IFT172-related disorders.
Inborn genetic diseases. Identifiers: MedGen C0950123, MeSH D030342.

Allele frequency attached by ClinVar (database versions not stated): ExAC 0.00001; gnomAD 0.00001; gnomAD exomes 0.00002 and 0.00001.
gnomAD v4.1: 13 of 1,612,728 alleles (0.00081%); highest among the groups gnomAD compares: Admixed American, 0.012%; no homozygotes.

Submissions (4):

Labcorp Genetics (formerly Invitae), Labcorp
Classification: Uncertain significance for Retinitis pigmentosa 71; Short-rib thoracic dysplasia 10 with or without polydactyly. Last evaluated: 2024-10-24. Review status: criteria provided, single submitter. Criteria: Invitae Variant Classification Sherloc (09022015). Collection method: clinical testing. Allele origin: germline.
Comment: This sequence change replaces proline, which is neutral and non-polar, with serine, which is neutral and polar, at codon 1685 of the IFT172 protein (p.Pro1685Ser). This variant is present in population databases (rs775285304, gnomAD 0.009%). This variant has not been reported in the literature in individuals affected with IFT172-related conditions. ClinVar contains an entry for this variant (Variation ID: 1461096). Invitae Evidence Modeling of protein sequence and biophysical properties (such as structural, functional, and spatial information, amino acid conservation, physicochemical variation, residue mobility, and thermodynamic stability) has been performed for this missense variant. However, the output from this modeling did not meet the statistical confidence thresholds required to predict the impact of this variant on IFT172 protein function. In summary, the available evidence is currently insufficient to determine the role of this variant in disease. Therefore, it has been classified as a Variant of Uncertain Significance.

Ambry Genetics
Classification: Uncertain significance for Inborn genetic diseases. Last evaluated: 2024-03-28. Review status: criteria provided, single submitter. Criteria: Ambry Variant Classification Scheme 2023. Collection method: clinical testing. Allele origin: germline.

Fulgent Genetics
Classification: Uncertain significance for Short-rib thoracic dysplasia 10 with or without polydactyly; Retinitis pigmentosa 71; Bardet-Biedl syndrome 20. Last evaluated: 2024-01-30. Review status: criteria provided, single submitter. Criteria: ACMG Guidelines, 2015. Collection method: clinical testing. Allele origin: germline.

PreventionGenetics, part of Exact Sciences
Classification: Uncertain significance for IFT172-related condition. Last evaluated: 2024-02-05. Review status: no assertion criteria provided. Collection method: clinical testing. Allele origin: germline. Not counted in ClinVar's aggregate classification.
Comment: The IFT172 c.5053C>T variant is predicted to result in the amino acid substitution p.Pro1685Ser. To our knowledge, this variant has not been reported in the literature. This variant is reported in 0.0087% of alleles in individuals of Latino descent in gnomAD. At this time, the clinical significance of this variant is uncertain due to the absence of conclusive functional and genetic evidence.

NM_015662.3(IFT172):c.5053C>T (p.Pro1685Ser)

Genes: IFT172 (intraflagellar transport 172; minus strand), KRTCAP3 (keratinocyte associated protein 3; plus strand). Cytogenetic location: 2p23.3.
Variant type: single nucleotide variant.
Coding change: c.5053C>T on transcript NM_015662.3 (MANE Select); coding-DNA position 5053, C replaced by T.
Protein change: p.Pro1685Ser; replaces proline 1685 with serine.
Molecular consequence: missense variant. On other transcripts: intron variant (1).
Genome position (GRCh38, 1-based): chr2:27,445,311, G>A on the plus strand (C>T on the coding strand, the complement: IFT172 is on the minus strand). VCF-style: chr2-27445311-G-A. GRCh37 (hg19) VCF-style: chr2-27668178-G-A.
Other names: c.*6-990G>A (NM_001168364.2); c.4987C>T, p.Pro1663Ser (NM_001410739.1); short protein forms P1685S, P1663S.
Identifiers: ClinVar variation 1461096 (VCV001461096.11), dbSNP rs775285304, ClinGen allele CA1579380.